The following is an entry in ClinVar:

NM_003458.4(BSN):c.8412C>T (p.His2804=)

Gene: BSN (bassoon presynaptic cytomatrix protein; plus strand). Cytogenetic location: 3p21.31.
Variant type: single nucleotide variant.
Coding change: c.8412C>T on transcript NM_003458.4 (MANE Select); coding-DNA position 8412, C replaced by T.
Protein change: p.His2804=; no amino-acid change (histidine 2804 retained).
Molecular consequence: synonymous variant.
Genome position (GRCh38, 1-based): chr3:49,657,968, C>T. VCF-style: chr3-49657968-C-T. GRCh37 (hg19) VCF-style: chr3-49695401-C-T.
Identifiers: ClinVar variation 3042639 (VCV003042639.2), dbSNP rs201490455, ClinGen allele CA2400855.

ClinVar aggregate classification (germline): Likely benign (0 of 4 stars; one submission).

Conditions:
BSN-related disorder. Also called: BSN-related condition.

Allele frequency attached by ClinVar (database versions not stated): ESP Exome Variant Server 0.00008; TOPMed 0.00008; gnomAD exomes 0.00011; gnomAD 0.00012; 1000 Genomes Project 30x 0.00016; 1000 Genomes Project 0.00020; ExAC 0.00027.
gnomAD v4.1: 199 of 1,611,694 alleles (0.012%); highest among the groups gnomAD compares: Middle Eastern, 0.3%; 1 homozygote.

Submission:

PreventionGenetics, part of Exact Sciences
Classification: Likely benign for BSN-related condition. Last evaluated: 2019-06-27. Review status: no assertion criteria provided. Collection method: clinical testing. Allele origin: germline.
Comment: This variant is classified as likely benign based on ACMG/AMP sequence variant interpretation guidelines (Richards et al. 2015 PMID: 25741868, with internal and published modifications).